The following is an entry in ClinVar:

NM_000521.4(HEXB):c.512-3C>A

Gene: HEXB (hexosaminidase subunit beta; plus strand). Cytogenetic location: 5q13.3.
Variant type: single nucleotide variant.
Coding change: c.512-3C>A on transcript NM_000521.4 (MANE Select); 3 bases into the intron before coding-DNA position 512, C replaced by A.
Molecular consequence: intron variant.
Genome position (GRCh38, 1-based): chr5:74,696,690, C>A. VCF-style: chr5-74696690-C-A. GRCh37 (hg19) VCF-style: chr5-73992515-C-A.
Other names: c.-164-3C>A (NM_001292004.2).
Identifiers: ClinVar variation 555416 (VCV000555416.3), dbSNP rs1376742145, ClinGen allele CA560766107.
Genomic context (GRCh38, chr5:74,696,690, plus strand): 5'-ATAACTTTTATCATCTCAATTTGTTGATTTATAAATTAATGCAATAAATTTTACTTTCCT[C>A]AGGTTTAGAGACCTTTAGCCAGTTAGTTTATCAAGATTCTTATGGAACTGTAAGTATGAT-3'

ClinVar aggregate classification (germline): Likely pathogenic. Review status: criteria provided, single submitter (1 of 4 stars). 2 submissions from 2 submitters: Likely pathogenic (1). 1 of the submissions does not count toward it. Last evaluated 2025-08-18.

Conditions:
Sandhoff disease. Also called: GM2-GANGLIOSIDOSIS, TYPE II; HEXOSAMINIDASES A AND B DEFICIENCY; Beta-hexosaminidase-beta-subunit deficiency; GM2 gangliosidosis, type 2; Total hexosaminidase deficiency; Sandhoff-Jatzkewitz-Pilz disease. Identifiers: Orphanet 796, MedGen C0036161, MONDO:0010006, OMIM 268800.

Allele frequency attached by ClinVar (database versions not stated): gnomAD 0.00001.

Submissions (2):

Natera, Inc.
Classification: Likely pathogenic for Sandhoff disease. Last evaluated: 2025-08-18. Review status: criteria provided, single submitter. Criteria: Natera Variant Classification Schema (03/2026). Collection method: clinical testing. Allele origin: germline.
Comment: The c.512-3C>A variant in HEXB is an intronic variant located outside the canonical splice sites. The frequency of this variant in the general population is greater than expected for disorder. This variant has been observed in one or more individuals affected with the associated recessive disease, as either homozygous or compound heterozygous with a second variant (PMID: 23158871). This variant has been identified in one or more affected individuals with a phenotype highly consistent with the associated gene (PMID: 23158871). Functional studies show that this variant may disrupt protein function (PMID: 23158871). Computational prediction algorithms indicate this variant is likely to affect gene or protein function. Given the available evidence, this variant is classified as Likely Pathogenic.

Counsyl
Classification: Uncertain significance for Sandhoff disease. Last evaluated: 2017-12-07. Review status: no assertion criteria provided. Collection method: clinical testing. Allele origin: unknown. Not counted in ClinVar's aggregate classification.

Literature cited by the submitters: PubMed 23158871 (cited by Natera, Inc. and Counsyl).